The following is an entry in ClinVar:

ClinVar aggregate classification (germline): Uncertain significance. Review status: criteria provided, single submitter (1 of 4 stars). 2 submissions from 2 submitters: Uncertain significance (1). 1 of the submissions does not count toward it. Last evaluated 2023-04-11.

Conditions:
MIB1-related disorder. Also called: MIB1-related condition.
Inborn genetic diseases. Identifiers: MedGen C0950123, MeSH D030342.

Allele frequency attached by ClinVar (database versions not stated): gnomAD exomes below 0.00001.
gnomAD v4.1: 3 of 1,611,306 alleles (0.00019%); highest among the groups gnomAD compares: Non-Finnish European, 0.00025%; no homozygotes.

Submissions (2):

Ambry Genetics
Classification: Uncertain significance for Inborn genetic diseases. Last evaluated: 2023-04-11. Review status: criteria provided, single submitter. Criteria: Ambry Variant Classification Scheme 2023. Collection method: clinical testing. Allele origin: germline.
Comment: The p.K854R variant (also known as c.2561A>G), located in coding exon 17 of the MIB1 gene, results from an A to G substitution at nucleotide position 2561. The lysine at codon 854 is replaced by arginine, an amino acid with highly similar properties. This amino acid position is conserved. In addition, the in silico prediction for this alteration is inconclusive. Since supporting evidence is limited at this time, the clinical significance of this alteration remains unclear.

PreventionGenetics, part of Exact Sciences
Classification: Uncertain significance for MIB1-related condition. Last evaluated: 2024-06-28. Review status: no assertion criteria provided. Collection method: clinical testing. Allele origin: germline. Not counted in ClinVar's aggregate classification.
Comment: The MIB1 c.2561A>G variant is predicted to result in the amino acid substitution p.Lys854Arg. To our knowledge, this variant has not been reported in the literature or in a large population database, indicating this variant is rare. At this time, the clinical significance of this variant is uncertain due to the absence of conclusive functional and genetic evidence.

NM_020774.4(MIB1):c.2561A>G (p.Lys854Arg)

Gene: MIB1 (MIB E3 ubiquitin protein ligase 1; plus strand). Cytogenetic location: 18q11.2.
Variant type: single nucleotide variant.
Coding change: c.2561A>G on transcript NM_020774.4 (MANE Select); coding-DNA position 2561, A replaced by G.
Protein change: p.Lys854Arg; replaces lysine 854 with arginine.
Molecular consequence: missense variant.
Genome position (GRCh38, 1-based): chr18:21,849,363, A>G. VCF-style: chr18-21849363-A-G. GRCh37 (hg19) VCF-style: chr18-19429324-A-G.
Other names: short protein forms K854R.
Identifiers: ClinVar variation 2561718 (VCV002561718.3), dbSNP rs2510595539, ClinGen allele CA401796448.
Genomic context (GRCh38, chr18:21,849,363, plus strand): 5'-GTGGACATATTGCTACCTGTTCTTTATGTTCTCCACGTGTCAAGAAATGCCTCATCTGTA[A>G]AGAACAGGTTCAATCCAGGACAAAGGTAAGATATATTTAATATAGTATTTTGTCATTTTA-3'
Protein context (NP_065825.1, residues 844-864): SPRVKKCLIC[Lys854Arg]EQVQSRTKIE